The following is an entry in ClinVar:

ClinVar aggregate classification (germline): Likely benign (0 of 4 stars; one submission).

Conditions:
ZNF407-related disorder. Also called: ZNF407-related condition.

Submission:

PreventionGenetics, part of Exact Sciences
Classification: Likely benign for ZNF407-related condition. Last evaluated: 2019-09-18. Review status: no assertion criteria provided. Collection method: clinical testing. Allele origin: germline.
Comment: This variant is classified as likely benign based on ACMG/AMP sequence variant interpretation guidelines (Richards et al. 2015 PMID: 25741868, with internal and published modifications).

NM_017757.3(ZNF407):c.4285C>T (p.Leu1429=)

Gene: ZNF407 (zinc finger protein 407; plus strand). Cytogenetic location: 18q22.3.
Variant type: single nucleotide variant.
Coding change: c.4285C>T on transcript NM_017757.3 (MANE Select); coding-DNA position 4285, C replaced by T.
Protein change: p.Leu1429=; no amino-acid change (leucine 1429 retained).
Molecular consequence: synonymous variant.
Genome position (GRCh38, 1-based): chr18:74,635,304, C>T. VCF-style: chr18-74635304-C-T. GRCh37 (hg19) VCF-style: chr18-72347260-C-T.
Other names: c.4285C>T, p.Leu1429= (NM_001146189.1, NM_001146190.1, NM_001384475.1).
Identifiers: ClinVar variation 3040726 (VCV003040726.2), dbSNP rs2511908242, ClinGen allele CA504568057.